The following is an entry in ClinVar:

NM_002206.3(ITGA7):c.2780G>A (p.Arg927Gln)

Gene: ITGA7 (integrin subunit alpha 7; minus strand). Cytogenetic location: 12q13.2.
Variant type: single nucleotide variant.
Coding change: c.2780G>A on transcript NM_002206.3 (MANE Select); coding-DNA position 2780, G replaced by A.
Protein change: p.Arg927Gln; replaces arginine 927 with glutamine.
Molecular consequence: missense variant.
Genome position (GRCh38, 1-based): chr12:55,692,908, C>T on the plus strand (G>A on the coding strand, the complement: ITGA7 is on the minus strand). VCF-style: chr12-55692908-C-T. GRCh37 (hg19) VCF-style: chr12-56086692-C-T.
Other names: c.2792G>A, p.Arg931Gln (NM_001144996.2); c.2501G>A, p.Arg834Gln (NM_001144997.2); c.2453G>A, p.Arg818Gln (NM_001367993.1); c.1436G>A, p.Arg479Gln (NM_001367994.1); c.2762G>A, p.Arg921Gln (NM_001374465.1); c.2912G>A, p.Arg971Gln (NM_001410977.1); c.2774G>A, p.Arg925Gln (NM_001414029.1); c.2705G>A, p.Arg902Gln (NM_001414030.1); and 5 more; short protein forms R818Q, R921Q, R931Q, R479Q, R927Q, R834Q, R971Q, R852Q.
Identifiers: ClinVar variation 1513889 (VCV001513889.8), dbSNP rs200712509, ClinGen allele CA6615463.

ClinVar aggregate classification (germline): Uncertain significance (1 of 4 stars; one submission).

Conditions:
Congenital muscular dystrophy due to integrin alpha-7 deficiency. Also called: MYOPATHY, CONGENITAL, DUE TO INTEGRIN ALPHA-7 DEFICIENCY; Congenital muscular dystrophy with integrin alpha-7 deficiency; Muscular dystrophy, congenital, due to ITGA7 deficiency. Identifiers: Orphanet 34520, MedGen C2750786, MONDO:0013177, OMIM 613204.

Allele frequency attached by ClinVar (database versions not stated): gnomAD 0.00001; ExAC 0.00002; 1000 Genomes Project 30x 0.00016; 1000 Genomes Project 0.00020.
gnomAD v4.1: 16 of 1,614,156 alleles (0.00099%); highest among the groups gnomAD compares: African/African-American, 0.0053%; no homozygotes.

Submission:

Labcorp Genetics (formerly Invitae), Labcorp
Classification: Uncertain significance for Congenital muscular dystrophy due to integrin alpha-7 deficiency. Last evaluated: 2021-04-01. Review status: criteria provided, single submitter. Criteria: Invitae Variant Classification Sherloc (09022015). Collection method: clinical testing. Allele origin: germline.
Comment: This sequence change replaces arginine with glutamine at codon 927 of the ITGA7 protein (p.Arg927Gln). The arginine residue is weakly conserved and there is a small physicochemical difference between arginine and glutamine. This variant is present in population databases (rs200712509, ExAC 0.003%). This variant has not been reported in the literature in individuals with ITGA7-related conditions. Algorithms developed to predict the effect of missense changes on protein structure and function output the following: SIFT: "Tolerated"; PolyPhen-2: "Benign"; Align-GVGD: "Class C0". The glutamine amino acid residue is found in multiple mammalian species, suggesting that this missense change does not adversely affect protein function. These predictions have not been confirmed by published functional studies and their clinical significance is uncertain. In summary, the available evidence is currently insufficient to determine the role of this variant in disease. Therefore, it has been classified as a Variant of Uncertain Significance.